The following is an entry in ClinVar:

NM_000186.4(CFH):c.245-8_245-7delinsTTCA

Gene: CFH (complement factor H; plus strand). Cytogenetic location: 1q31.3.
Variant type: Indel.
Coding change: c.245-8_245-7delinsTTCA on transcript NM_000186.4 (MANE Select); 8 bases into the intron before coding-DNA position 245 through 7 bases into the intron before coding-DNA position 245, CG replaced by TTCA.
Molecular consequence: intron variant.
Genome position (GRCh38, 1-based): chr1:196,673,849-196,673,850, CG replaced by TTCA. VCF-style: chr1-196673849-CG-TTCA. GRCh37 (hg19) VCF-style: chr1-196642979-CG-TTCA.
Other names: c.245-8_245-7delinsTTCA (NM_001014975.3).
Identifiers: ClinVar variation 4291537 (VCV004291537.1).

ClinVar aggregate classification (germline): Uncertain significance (1 of 4 stars; one submission).

Conditions:
Atypical hemolytic-uremic syndrome. Identifiers: Orphanet 2134, MedGen C2931788, MONDO:0016244.

Submission:

Genomenon, Inc
Classification: Uncertain significance for Atypical hemolytic-uremic syndrome. Last evaluated: 2025-10-02. Review status: criteria provided, single submitter. Criteria: Genomenon Sequence Variant Interpretation Standards - Updated. Collection method: curation. Allele origin: germline. Affected: yes.
Comment: CFH c.245-8_245-7delinsTTCA is a deletion-insertion variant located in intron 2. This variant has been observed in at least one proband affected with atypical hemolytic-uremic syndrome (PMID:25416628). It is absent or not present at a significant frequency in gnomAD. In conclusion, we classify CFH c.245-8_245-7delinsTTCA as a variant of uncertain significance.

Literature cited by the submitters: PubMed 25416628.